The following is an entry in ClinVar:

NM_003640.5(ELP1):c.552+2T>A

Gene: ELP1 (elongator acetyltransferase complex subunit 1; minus strand). Cytogenetic location: 9q31.3.
Variant type: single nucleotide variant.
Coding change: c.552+2T>A on transcript NM_003640.5 (MANE Select); the canonical splice donor site of the intron after coding-DNA position 552, T replaced by A.
Molecular consequence: splice donor variant.
Genome position (GRCh38, 1-based): chr9:108,922,840, A>T on the plus strand (T>A on the coding strand, the complement: ELP1 is on the minus strand). VCF-style: chr9-108922840-A-T. GRCh37 (hg19) VCF-style: chr9-111685120-A-T.
Other names: c.210+2T>A (NM_001318360.2); c.-308+2T>A (NM_001330749.2).
Identifiers: ClinVar variation 552684 (VCV000552684.14), dbSNP rs1554702142, ClinGen allele CA374389068.

ClinVar aggregate classification (germline): Likely pathogenic. Review status: criteria provided, single submitter (1 of 4 stars). 3 submissions from 3 submitters: Likely pathogenic (1). 2 of the submissions do not count toward it. Last evaluated 2023-05-15.

Conditions:
Familial dysautonomia. Also called: FD; HSAN III. Identifiers: Orphanet 1764, MedGen C0013364, MONDO:0009131, OMIM 223900. Disease mechanism: loss of function.

Allele frequency attached by ClinVar (database versions not stated): gnomAD exomes below 0.00001.
gnomAD v4.1: 4 of 1,611,788 alleles (0.00025%); highest among the groups gnomAD compares: Non-Finnish European, 0.00034%; no homozygotes.

Submissions (3):

Labcorp Genetics (formerly Invitae), Labcorp
Classification: Likely pathogenic. Last evaluated: 2023-05-15. Review status: criteria provided, single submitter. Criteria: Invitae Variant Classification Sherloc (09022015). Collection method: clinical testing. Allele origin: germline.
Comment: In summary, the currently available evidence indicates that the variant is pathogenic, but additional data are needed to prove that conclusively. Therefore, this variant has been classified as Likely Pathogenic. Algorithms developed to predict the effect of sequence changes on RNA splicing suggest that this variant may disrupt the consensus splice site. ClinVar contains an entry for this variant (Variation ID: 552684). This variant has not been reported in the literature in individuals affected with ELP1-related conditions. This variant is not present in population databases (gnomAD no frequency). This sequence change affects a donor splice site in intron 6 of the ELP1 gene. It is expected to disrupt RNA splicing. Variants that disrupt the donor or acceptor splice site typically lead to a loss of protein function (PMID: 16199547), and loss-of-function variants in ELP1 are known to be pathogenic (PMID: 18303054, 24173031).

Natera, Inc.
Classification: Likely pathogenic for Familial dysautonomia. Last evaluated: 2020-11-30. Review status: no assertion criteria provided. Collection method: clinical testing. Allele origin: germline. Not counted in ClinVar's aggregate classification.

Counsyl
Classification: Likely pathogenic for Familial dysautonomia. Last evaluated: 2017-06-29. Review status: no assertion criteria provided. Collection method: clinical testing. Allele origin: unknown. Not counted in ClinVar's aggregate classification.

Literature cited by the submitters: PubMed 16199547 (cited by Labcorp Genetics (formerly Invitae), Labcorp); PubMed 18303054 (cited by Labcorp Genetics (formerly Invitae), Labcorp); PubMed 24173031 (cited by Labcorp Genetics (formerly Invitae), Labcorp).